The following is an entry in ClinVar:

ClinVar aggregate classification (germline): Pathogenic/Likely pathogenic. Review status: criteria provided, multiple submitters, no conflicts (2 of 4 stars). 4 submissions from 4 submitters: Pathogenic (1); Likely pathogenic (3). Last evaluated 2025-01-14.

Conditions:
ITGB4-related disorder. Also called: ITGB4-related condition.
Epidermolysis bullosa, junctional 5A, intermediate. Also called: EPIDERMOLYSIS BULLOSA, JUNCTIONAL 5A, GENERALIZED INTERMEDIATE; EPIDERMOLYSIS BULLOSA, JUNCTIONAL 5A, NON-HERLITZ TYPE. Identifiers: MedGen C5676956, MONDO:0030768, OMIM 619816.
Junctional epidermolysis bullosa with pyloric atresia. Also called: APLASIA CUTIS CONGENITA WITH GASTROINTESTINAL ATRESIA; CARMI SYNDROME; EB-PA-ACC; ITGB4-Related Epidermolysis Bullosa with Pyloric Atresia; Junctional Epidermolysis Bullosa- Pyloric Atresia Syndrome; Epidermolysis bullosa, junctional, with pyloric atresia and aplasia cutis congenita. Identifiers: Orphanet 79403, MedGen C5676875, MONDO:0009183, OMIM 226730.

Allele frequency attached by ClinVar (database versions not stated): ESP Exome Variant Server 0.00008; gnomAD 0.00001.
gnomAD v4.1: 12 of 1,614,014 alleles (0.00074%); highest among the groups gnomAD compares: Non-Finnish European, 0.001%; no homozygotes.

Submissions (5):

Labcorp Genetics (formerly Invitae), Labcorp
Classification: Likely pathogenic. Last evaluated: 2025-01-14. Review status: criteria provided, single submitter. Criteria: Invitae Variant Classification Sherloc (09022015). Collection method: clinical testing. Allele origin: germline.
Comment: This sequence change affects a donor splice site in intron 19 of the ITGB4 gene. It is expected to disrupt RNA splicing. Variants that disrupt the donor or acceptor splice site typically lead to a loss of protein function (PMID: 16199547), and loss-of-function variants in ITGB4 are known to be pathogenic (PMID: 11328943, 16473856). This variant is not present in population databases (gnomAD no frequency). This variant has not been reported in the literature in individuals affected with ITGB4-related conditions. ClinVar contains an entry for this variant (Variation ID: 1723026). Algorithms developed to predict the effect of sequence changes on RNA splicing suggest that this variant may disrupt the consensus splice site. In summary, the currently available evidence indicates that the variant is pathogenic, but additional data are needed to prove that conclusively. Therefore, this variant has been classified as Likely Pathogenic.

PreventionGenetics, part of Exact Sciences
Classification: Likely pathogenic for ITGB4-related condition. Last evaluated: 2024-11-12. Review status: criteria provided, single submitter. Criteria: ACMG Guidelines, 2015. Collection method: clinical testing. Allele origin: germline.
Comment: The ITGB4 c.2254+1G>T variant is predicted to disrupt the GT donor site and interfere with normal splicing. To our knowledge, this variant has not been reported in the literature or in a large population database (gnomAD), indicating this variant is rare. Variants that disrupt the consensus splice donor site in ITGB4 are expected to be pathogenic. This variant is interpreted as likely pathogenic.

Fulgent Genetics
Classification: Likely pathogenic for Junctional epidermolysis bullosa with pyloric atresia; Epidermolysis bullosa, junctional 5A, intermediate. Last evaluated: 2024-04-19. Review status: criteria provided, single submitter. Criteria: ACMG Guidelines, 2015. Collection method: clinical testing. Allele origin: germline.

GeneDx
Classification: Pathogenic. Last evaluated: 2022-11-04. Review status: criteria provided, single submitter. Criteria: GeneDx Variant Classification Process June 2021. Collection method: clinical testing. Allele origin: germline. Affected: yes.
Comment: Canonical splice site variant predicted to result in a null allele in a gene for which loss of function is a known mechanism of disease; Not observed at significant frequency in large population cohorts (gnomAD); Reported with another variant in a patient with epidermolysis bullosa with pyloric atresia, but it is not known whether the variants occurred on the same (in cis) or on different (in trans) chromosomes (Wang et al., 2020); This variant is associated with the following publications: (PMID: 32506467, 31851393)

Dr. Peter K. Rogan Lab, Western University
No classification provided (evidence only). Condition: Cervical cancer. Review status: no classification provided. Collection method: in vitro. Allele origin: not applicable. Functional consequence: skipped exon, retained intron. Not counted in ClinVar's aggregate classification.

Literature cited by the submitters: PubMed 16199547 (cited by Labcorp Genetics (formerly Invitae), Labcorp); PubMed 11328943 (cited by Labcorp Genetics (formerly Invitae), Labcorp); PubMed 16473856 (cited by Labcorp Genetics (formerly Invitae), Labcorp).

NM_000213.5(ITGB4):c.2254+1G>T

Gene: ITGB4 (integrin subunit beta 4; plus strand). Cytogenetic location: 17q25.1.
Variant type: single nucleotide variant.
Coding change: c.2254+1G>T on transcript NM_000213.5 (MANE Select); the canonical splice donor site of the intron after coding-DNA position 2254, G replaced by T.
Molecular consequence: splice donor variant.
Genome position (GRCh38, 1-based): chr17:75,739,706, G>T. VCF-style: chr17-75739706-G-T. GRCh37 (hg19) VCF-style: chr17-73735787-G-T.
Other names: c.2254+1G>T (NM_000213.4, NM_001005619.2, NM_001005731.3 and 2 more transcripts).
Identifiers: ClinVar variation 1723026 (VCV001723026.8), dbSNP rs201310681, ClinGen allele CA294069137.